The following is an entry in ClinVar:

ClinVar aggregate classification (germline): Uncertain significance (1 of 4 stars; one submission).

Allele frequency attached by ClinVar (database versions not stated): gnomAD exomes below 0.00001 and 0.00001; TOPMed 0.00001; gnomAD 0.00002.
gnomAD v4.1: 7 of 1,611,000 alleles (0.00043%); highest among the groups gnomAD compares: Non-Finnish European, 0.00051%; no homozygotes.

Submission:

Labcorp Genetics (formerly Invitae), Labcorp
Classification: Uncertain significance. Last evaluated: 2025-06-12. Review status: criteria provided, single submitter. Criteria: Invitae Variant Classification Sherloc (09022015). Collection method: clinical testing. Allele origin: germline.
Comment: This sequence change replaces arginine, which is basic and polar, with cysteine, which is neutral and slightly polar, at codon 467 of the FAR1 protein (p.Arg467Cys). This variant is present in population databases (no rsID available, gnomAD 0.0009%). This variant has not been reported in the literature in individuals affected with FAR1-related conditions. ClinVar contains an entry for this variant (Variation ID: 1450440). An algorithm developed to predict the effect of missense changes on protein structure and function (PolyPhen-2) suggests that this variant is likely to be disruptive. In summary, the available evidence is currently insufficient to determine the role of this variant in disease. Therefore, it has been classified as a Variant of Uncertain Significance.

NM_032228.6(FAR1):c.1399C>T (p.Arg467Cys)

Gene: FAR1 (fatty acyl-CoA reductase 1; plus strand). Cytogenetic location: 11p15.3.
Variant type: single nucleotide variant.
Coding change: c.1399C>T on transcript NM_032228.6 (MANE Select); coding-DNA position 1399, C replaced by T.
Protein change: p.Arg467Cys; replaces arginine 467 with cysteine.
Molecular consequence: missense variant.
Genome position (GRCh38, 1-based): chr11:13,728,625, C>T. VCF-style: chr11-13728625-C-T. GRCh37 (hg19) VCF-style: chr11-13750172-C-T.
Other names: short protein forms R467C.
Identifiers: ClinVar variation 1450440 (VCV001450440.8), dbSNP rs1195151451, ClinGen allele CA379859285.